The following is an entry in ClinVar:

ClinVar aggregate classification (germline): Uncertain significance (1 of 4 stars; one submission).

Conditions:
DICER1-related tumor predisposition. Also called: DICER1-related pleuropulmonary blastoma cancer predisposition syndrome; DICER1 syndrome. Identifiers: Orphanet 284343, MedGen C3839822, MONDO:0100216.

Submission:

Labcorp Genetics (formerly Invitae), Labcorp
Classification: Uncertain significance for DICER1-related tumor predisposition. Last evaluated: 2021-10-11. Review status: criteria provided, single submitter. Criteria: Invitae Variant Classification Sherloc (09022015). Collection method: clinical testing. Allele origin: germline.
Comment: In summary, the available evidence is currently insufficient to determine the role of this variant in disease. Therefore, it has been classified as a Variant of Uncertain Significance. Variants that disrupt the consensus splice site are a relatively common cause of aberrant splicing (PMID: 17576681, 9536098). Algorithms developed to predict the effect of sequence changes on RNA splicing suggest that this variant is not likely to affect RNA splicing. This variant has not been reported in the literature in individuals affected with DICER1-related conditions. This variant is not present in population databases (ExAC no frequency). This sequence change falls in intron 4 of the DICER1 gene. It does not directly change the encoded amino acid sequence of the DICER1 protein. It affects a nucleotide within the consensus splice site.

Literature cited by the submitters: PubMed 17576681; PubMed 9536098.

NM_177438.3(DICER1):c.439-3T>C

Gene: DICER1 (dicer 1, ribonuclease III; minus strand). Cytogenetic location: 14q32.13.
Variant type: single nucleotide variant.
Coding change: c.439-3T>C on transcript NM_177438.3 (MANE Select); 3 bases into the intron before coding-DNA position 439, T replaced by C.
Molecular consequence: intron variant.
Genome position (GRCh38, 1-based): chr14:95,130,195, A>G on the plus strand (T>C on the coding strand, the complement: DICER1 is on the minus strand). VCF-style: chr14-95130195-A-G. GRCh37 (hg19) VCF-style: chr14-95596532-A-G.
Other names: c.439-3T>C (NM_001291628.2, NM_030621.4, NM_001271282.3 and 1 more transcripts).
Identifiers: ClinVar variation 1418858 (VCV001418858.7), dbSNP rs2140267920, ClinGen allele CA2573150321.